The following is an entry in ClinVar:

ClinVar aggregate classification (germline): Pathogenic/Likely pathogenic. Review status: criteria provided, multiple submitters, no conflicts (2 of 4 stars). 3 submissions from 3 submitters: Pathogenic (1); Likely pathogenic (2). Last evaluated 2025-01-31.

Conditions:
BBS7-related disorder. Also called: BBS7-related condition.
Bardet-Biedl syndrome (BBS). Identifiers: Orphanet 110, MedGen C0752166, MONDO:0015229.

Allele frequency attached by ClinVar (database versions not stated): TOPMed 0.00002; gnomAD 0.00003; gnomAD exomes 0.00004.

Submissions (3):

PreventionGenetics, part of Exact Sciences
Classification: Likely pathogenic for BBS7-related condition. Last evaluated: 2025-01-31. Review status: criteria provided, single submitter. Criteria: ACMG Guidelines, 2015. Collection method: clinical testing. Allele origin: germline.
Comment: The BBS7 c.688T>C variant is predicted to result in the amino acid substitution p.Trp230Arg. This variant was reported in the compound heterozygous or homozygous state in individuals with suspected Bardet-Biedl syndrome (de Pontual et al. 2009. PubMed ID: 19666486; Harville et al. 2009. PubMed ID: 19797195). This variant has not been reported in a large population database (gnomAD), indicating this variant is rare. Taken together, we classify this variant as likely pathogenic.

Women's Health and Genetics/Laboratory Corporation of America, LabCorp
Classification: Likely pathogenic for Bardet-Biedl syndrome. Last evaluated: 2024-08-26. Review status: criteria provided, single submitter. Criteria: LabCorp Variant Classification Summary - May 2015. Collection method: clinical testing. Allele origin: germline.
Comment: Variant summary: BBS7 c.688T>C (p.Trp230Arg) results in a non-conservative amino acid change in the encoded protein sequence. Five of five in-silico tools predict a damaging effect of the variant on protein function. The variant was absent in 251182 control chromosomes. c.688T>C has been reported in the literature in individuals affected with Bardet-Biedl Syndrome (Harville_2010, de Pontual_2009). These data indicate that the variant is likely to be associated with disease. To our knowledge, no experimental evidence demonstrating an impact on protein function has been reported. The following publications have been ascertained in the context of this evaluation (PMID: 19797195, 19666486). ClinVar contains an entry for this variant (Variation ID: 3017954). Based on the evidence outlined above, the variant was classified as likely pathogenic.

Labcorp Genetics (formerly Invitae), Labcorp
Classification: Pathogenic for Bardet-Biedl syndrome. Last evaluated: 2023-07-31. Review status: criteria provided, single submitter. Criteria: Invitae Variant Classification Sherloc (09022015). Collection method: clinical testing. Allele origin: germline.
Comment: For these reasons, this variant has been classified as Pathogenic. Advanced modeling of protein sequence and biophysical properties (such as structural, functional, and spatial information, amino acid conservation, physicochemical variation, residue mobility, and thermodynamic stability) performed at Invitae indicates that this missense variant is expected to disrupt BBS7 protein function. This missense change has been observed in individual(s) with Bardet-Biedl syndrome (PMID: 19666486). In at least one individual the data is consistent with being in trans (on the opposite chromosome) from a pathogenic variant. It has also been observed to segregate with disease in related individuals. This variant is not present in population databases (gnomAD no frequency). This sequence change replaces tryptophan, which is neutral and slightly polar, with arginine, which is basic and polar, at codon 230 of the BBS7 protein (p.Trp230Arg).

Literature cited by the submitters: PubMed 19797195 (cited by Women's Health and Genetics/Laboratory Corporation of America, LabCorp); PubMed 19666486 (cited by Women's Health and Genetics/Laboratory Corporation of America, LabCorp and Labcorp Genetics (formerly Invitae), Labcorp).

NM_176824.3(BBS7):c.688T>C (p.Trp230Arg)

Gene: BBS7 (Bardet-Biedl syndrome 7; minus strand). Cytogenetic location: 4q27.
Variant type: single nucleotide variant.
Coding change: c.688T>C on transcript NM_176824.3 (MANE Select); coding-DNA position 688, T replaced by C.
Protein change: p.Trp230Arg; replaces tryptophan 230 with arginine.
Molecular consequence: missense variant.
Genome position (GRCh38, 1-based): chr4:121,854,734, A>G on the plus strand (T>C on the coding strand, the complement: BBS7 is on the minus strand). VCF-style: chr4-121854734-A-G. GRCh37 (hg19) VCF-style: chr4-122775889-A-G.
Other names: c.688T>C, p.Trp230Arg (NM_018190.4); c.688T>C (NM_176824.2); short protein forms W230R.
Identifiers: ClinVar variation 3017954 (VCV003017954.5), dbSNP rs1173134997, ClinGen allele CA358065773.
Genomic context (GRCh38, chr4:121,854,734, plus strand): 5'-CTCAGAATCTGAACTACATGAAAAGCATACCTCCTCTCTTTTTCTCATTTTGAATTTCCC[A>G]CTTGCGTACTGGTTTGGATGTAGTAATCTGTATAAGCGCAAGTTTTCCGTCTGATGTCCC-3'
Protein context (NP_789794.1, residues 220-240): QITTSKPVRK[Trp230Arg]EIQNEKKRGG